The following is an entry in ClinVar:

ClinVar aggregate classification (germline): Likely benign (0 of 4 stars; one submission).

Conditions:
WDPCP-related disorder. Also called: WDPCP-related condition.

gnomAD v4.1: 13 of 1,614,018 alleles (0.00081%); highest among the groups gnomAD compares: African/African-American, 0.011%; no homozygotes.

Submission:

PreventionGenetics, part of Exact Sciences
Classification: Likely benign for WDPCP-related condition. Last evaluated: 2024-03-08. Review status: no assertion criteria provided. Collection method: clinical testing. Allele origin: germline.
Comment: This variant is classified as likely benign based on ACMG/AMP sequence variant interpretation guidelines (Richards et al. 2015 PMID: 25741868, with internal and published modifications).

NM_015910.7(WDPCP):c.1008A>G (p.Leu336=)

Gene: WDPCP (WD repeat containing planar cell polarity effector; minus strand). Cytogenetic location: 2p15.
Variant type: single nucleotide variant.
Coding change: c.1008A>G on transcript NM_015910.7 (MANE Select); coding-DNA position 1008, A replaced by G.
Protein change: p.Leu336=; no amino-acid change (leucine 336 retained).
Molecular consequence: synonymous variant. On other transcripts: non-coding transcript variant (3).
Genome position (GRCh38, 1-based): chr2:63,404,475, T>C on the plus strand (A>G on the coding strand, the complement: WDPCP is on the minus strand). VCF-style: chr2-63404475-T-C. GRCh37 (hg19) VCF-style: chr2-63631610-T-C.
Other names: c.531A>G, p.Leu177= (NM_001042692.3); c.936A>G, p.Leu312= (NM_001354044.2); c.1008A>G, p.Leu336= (NM_001354045.2).
Identifiers: ClinVar variation 3351742 (VCV003351742.1).
Genomic context (GRCh38, chr2:63,404,475, plus strand): 5'-ACAGCCCAGAATCAGTTTGTCTTCAGTAACATTCCTGCAGCAGCTGATGGCCTTTGACTT[T>C]AGTGGTATTCTGGTGACTGACACACACTGGATTTTATTCCGAATGCATTCATAGATGCAG-3'
Protein context (NP_056994.3, residues 326-346): IQCVSVTRIP[Leu336=]KSKAISCCRN